The following is an entry in ClinVar:

NM_021098.3(CACNA1H):c.3214C>G (p.Leu1072Val)

Gene: CACNA1H (calcium voltage-gated channel subunit alpha1 H; plus strand). Cytogenetic location: 16p13.3.
Variant type: single nucleotide variant.
Coding change: c.3214C>G on transcript NM_021098.3 (MANE Select); coding-DNA position 3214, C replaced by G.
Protein change: p.Leu1072Val; replaces leucine 1072 with valine.
Molecular consequence: missense variant.
Genome position (GRCh38, 1-based): chr16:1,208,072, C>G. VCF-style: chr16-1208072-C-G. GRCh37 (hg19) VCF-style: chr16-1258072-C-G.
Other names: c.3214C>G (NM_021098.2); c.3214C>G, p.Leu1072Val (NM_001005407.2); short protein forms L1072V.
Identifiers: ClinVar variation 1423865 (VCV001423865.6), dbSNP rs1238128692, ClinGen allele CA394171885.

ClinVar aggregate classification (germline): Conflicting classifications of pathogenicity. Review status: criteria provided, conflicting classifications (1 of 4 stars). 3 submissions from 3 submitters: Uncertain significance (2); Benign (1). Last evaluated 2025-06-12.

Conditions:
Idiopathic generalized epilepsy. Also called: Generalised epilepsy; EIG. Identifiers: MedGen C0270850, MONDO:0005579, OMIM 600669.
Hyperaldosteronism, familial, type IV (HALD4). Also called: FH IV; ALDOSTERONISM, PRIMARY, AND HYPERTENSION. Identifiers: Orphanet 642671, MedGen C4310756, MONDO:0014875, OMIM 617027.
CACNA1H-related disorder.
Epilepsy, childhood absence, susceptibility to, 6. Identifiers: Orphanet 64280, MedGen C2749872, MONDO:0012763, OMIM 611942.

Allele frequency attached by ClinVar (database versions not stated): gnomAD 0.00001; TOPMed 0.00001.
gnomAD v4.1: 3 of 1,603,866 alleles (0.00019%); highest among the groups gnomAD compares: Admixed American, 0.0034%; no homozygotes.

Submissions (3):

Labcorp Genetics (formerly Invitae), Labcorp
Classification: Benign for Idiopathic generalized epilepsy; Hyperaldosteronism, familial, type IV. Last evaluated: 2025-06-12. Review status: criteria provided, single submitter. Criteria: Invitae Variant Classification Sherloc (09022015). Collection method: clinical testing. Allele origin: germline.

PreventionGenetics, part of Exact Sciences
Classification: Uncertain significance for CACNA1H-related condition. Last evaluated: 2023-05-19. Review status: criteria provided, single submitter. Criteria: ACMG Guidelines, 2015. Collection method: clinical testing. Allele origin: germline.
Comment: The CACNA1H c.3214C>G variant is predicted to result in the amino acid substitution p.Leu1072Val. To our knowledge, this variant has not been reported in the literature. This variant is reported in 1 of ~230,000 alleles in gnomAD. At this time, the clinical significance of this variant is uncertain due to the absence of conclusive functional and genetic evidence.

Fulgent Genetics
Classification: Uncertain significance for Epilepsy, childhood absence, susceptibility to, 6; Hyperaldosteronism, familial, type IV. Last evaluated: 2021-10-23. Review status: criteria provided, single submitter. Criteria: ACMG Guidelines, 2015. Collection method: clinical testing. Allele origin: unknown.